The following is an entry in ClinVar:

NM_000092.5(COL4A4):c.4287del (p.Gly1430fs)

Gene: COL4A4 (collagen type IV alpha 4 chain; minus strand). Cytogenetic location: 2q36.3.
Variant type: Deletion.
Coding change: c.4287del on transcript NM_000092.5 (MANE Select); coding-DNA position 4287, one base deleted (C; older notation c.4287delC).
Protein change: p.Gly1430fs; shifts the reading frame from glycine 1430.
Molecular consequence: frameshift variant.
Genome position (GRCh38, 1-based): chr2:227,012,227, G deleted on the plus strand (C on the coding strand, the reverse complement: COL4A4 is on the minus strand); the first of 3 consecutive G bases (chr2:227,012,227-227,012,229); deleting any one gives the same sequence. VCF-style (leftmost placement, unchanged base first): chr2-227012226-CG-C. GRCh37 (hg19) VCF-style: chr2-227876942-CG-C.
Other names: short protein forms G1430fs.
Identifiers: ClinVar variation 3775240 (VCV003775240.2).
Genomic context (GRCh38, chr2:227,012,226, plus strand): 5'-TGACTGAAACTCTACCTGGTCCTCCAGGGTAGCCGTCTTCTCCTGTGTCACCTTTACGTC[CG>C]GGAGGCCCAGGAGACCCAGGGACGCCATCCACACCCCTCCTGCCATCCAGCCCAGGCTCT-3'

ClinVar aggregate classification (germline): Pathogenic (1 of 4 stars; one submission).

Conditions:
Autosomal recessive Alport syndrome (ATS2). Also called: Alport syndrome type 2; COL4A3-Related Nephropathy; ALPORT SYNDROME 2, AUTOSOMAL RECESSIVE; COL4A4 Alport Syndrome and Thin Basement Membrane Nephropathy. Identifiers: Orphanet 63, Orphanet 88919, MedGen C4746745, MONDO:0008762, OMIM 203780.

Submission:

3billion
Classification: Pathogenic for Autosomal recessive Alport syndrome. Last evaluated: 2026-01-06. Review status: criteria provided, single submitter. Criteria: ACMG Guidelines, 2015. Collection method: clinical testing. Allele origin: germline. Affected: yes.
Comment: The variant is not observed in the gnomAD v4.1.0 dataset. Predicted Consequence/Location: Frameshift: predicted to result in a loss or disruption of normal protein function through nonsense-mediated decay (NMD) or protein truncation. Multiple pathogenic variants are reported downstream of the variant. The variant has been reported to be associated with COL4A4-related disorder (ClinVar ID: VCV003775240 /3billion dataset). Therefore, this variant is classified as Pathogenic according to the recommendation of ACMG/AMP guideline.